The following is an entry in ClinVar:

ClinVar aggregate classification (germline): Uncertain significance. Review status: criteria provided, multiple submitters, no conflicts (2 of 4 stars). 3 submissions from 3 submitters: Uncertain significance (3). Last evaluated 2024-07-03.

Conditions:
Developmental and epileptic encephalopathy, 42 (DEE42A). Also called: Epileptic encephalopathy, early infantile, 42; DEVELOPMENTAL AND EPILEPTIC ENCEPHALOPATHY 42A; EPILEPTIC ENCEPHALOPATHY, EARLY INFANTILE, 42A. Identifiers: MedGen C4310716, MONDO:0014917, OMIM 617106.
Episodic ataxia type 2 (EA2). Also called: ACETAZOLAMIDE-RESPONSIVE HEREDITARY PAROXYSMAL CEREBELLAR ATAXIA; ATAXIA, EPISODIC, WITH NYSTAGMUS; ATAXIA, FAMILIAL PAROXYSMAL; CEREBELLAR ATAXIA, PAROXYSMAL, ACETAZOLAMIDE-RESPONSIVE; CEREBELLOPATHY, HEREDITARY PAROXYSMAL; EPISODIC ATAXIA, NYSTAGMUS-ASSOCIATED. Identifiers: Orphanet 97, MedGen C1720416, MONDO:0007163, OMIM 108500.

Submissions (3):

GeneDx
Classification: Uncertain significance. Last evaluated: 2024-07-03. Review status: criteria provided, single submitter. Criteria: GeneDx Variant Classification Process June 2021. Collection method: clinical testing. Allele origin: germline. Affected: yes.
Comment: Not observed at significant frequency in large population cohorts (gnomAD); In-frame insertion of 3 amino acids in a repetitive region with no known function; Has not been previously published as pathogenic or benign to our knowledge

Labcorp Genetics (formerly Invitae), Labcorp
Classification: Uncertain significance for Developmental and epileptic encephalopathy, 42; Episodic ataxia type 2. Last evaluated: 2023-10-28. Review status: criteria provided, single submitter. Criteria: Invitae Variant Classification Sherloc (09022015). Collection method: clinical testing. Allele origin: germline.
Comment: This variant, c.6661_6662insACCACCACC, results in the insertion of 3 amino acid(s) of the CACNA1A protein (p.His2218_His2220dup), but otherwise preserves the integrity of the reading frame. This variant is not present in population databases (gnomAD no frequency). This variant has not been reported in the literature in individuals affected with CACNA1A-related conditions. In summary, the available evidence is currently insufficient to determine the role of this variant in disease. Therefore, it has been classified as a Variant of Uncertain Significance.

Eurofins Ntd Llc (ga)
Classification: Uncertain significance. Last evaluated: 2015-05-12. Review status: criteria provided, single submitter. Criteria: EGL Classification Definitions 2015. Collection method: clinical testing. Allele origin: germline. Observed: 2 variant alleles, 2 heterozygotes.

NM_001127222.2(CACNA1A):c.6659ACC[3] (p.His2217_His2219dup)

Gene: CACNA1A (calcium voltage-gated channel subunit alpha1 A; minus strand). Cytogenetic location: 19p13.13.
Variant type: Microsatellite.
Coding change: c.6659ACC[3] on transcript NM_001127222.2 (MANE Select); three copies in a row of the 3-base unit ACC starting at c.6659.
Protein change: p.His2217_His2219dup.
Molecular consequence: inframe insertion.
Genome position: GRCh38 VCF-style: chr19-13208877-G-GGGTGGTGGT. GRCh37 (hg19) VCF-style: chr19-13319691-G-GGGTGGTGGT.
Other names: c.6661_6662insACCACCACC (NM_001127221.1); c.6677ACC[3], p.His2223_His2225dup (NM_000068.4, NM_023035.3); c.6662ACC[3], p.His2218_His2220dup (NM_001127221.2); c.6668ACC[3], p.His2220_His2222dup (NM_001174080.2).
Identifiers: ClinVar variation 197540 (VCV000197540.10), dbSNP rs768950814, ClinGen allele CA245769.